The following is an entry in ClinVar:

ClinVar aggregate classification (germline): Uncertain significance (1 of 4 stars; one submission).

Conditions:
Cardiovascular phenotype. Identifiers: MedGen CN230736.
Hereditary cancer-predisposing syndrome. Also called: Neoplastic Syndromes, Hereditary; Tumor predisposition; Hereditary Cancer Syndrome; Hereditary neoplastic syndrome. Identifiers: Orphanet 140162, MedGen C0027672, MeSH D009386, MONDO:0015356.

Submission:

Ambry Genetics
Classification: Uncertain significance for Cardiovascular phenotype; Hereditary cancer-predisposing syndrome. Last evaluated: 2025-10-26. Review status: criteria provided, single submitter. Criteria: Ambry Variant Classification Scheme 2023. Collection method: clinical testing. Allele origin: germline.
Comment: The p.C2034Y variant (also known as c.6101G>A), located in coding exon 41 of the NF1 gene, results from a G to A substitution at nucleotide position 6101. The cysteine at codon 2034 is replaced by tyrosine, an amino acid with highly dissimilar properties. This amino acid position is conserved. In addition, this alteration is predicted to be deleterious by in silico analysis. Based on the available evidence, the clinical significance of this variant remains unclear.

NM_001042492.3(NF1):c.6164G>A (p.Cys2055Tyr)

Gene: NF1 (neurofibromin 1; plus strand). Cytogenetic location: 17q11.2.
Variant type: single nucleotide variant.
Coding change: c.6164G>A on transcript NM_001042492.3 (MANE Select); coding-DNA position 6164, G replaced by A.
Protein change: p.Cys2055Tyr; replaces cysteine 2055 with tyrosine.
Molecular consequence: missense variant.
Genome position (GRCh38, 1-based): chr17:31,336,651, G>A. VCF-style: chr17-31336651-G-A. GRCh37 (hg19) VCF-style: chr17-29663669-G-A.
Other names: c.6101G>A, p.Cys2034Tyr (NM_000267.4); short protein forms C2034Y, C2055Y.
Identifiers: ClinVar variation 4615772 (VCV004615772.1).